The following is an entry in ClinVar:

NM_004364.5(CEBPA):c.475G>T (p.Val159Leu)

Gene: CEBPA (CCAAT enhancer binding protein alpha; minus strand). Cytogenetic location: 19q13.11.
Variant type: single nucleotide variant.
Coding change: c.475G>T on transcript NM_004364.5 (MANE Select); coding-DNA position 475, G replaced by T.
Protein change: p.Val159Leu; replaces valine 159 with leucine.
Molecular consequence: missense variant.
Genome position (GRCh38, 1-based): chr19:33,301,940, C>A on the plus strand (G>T on the coding strand, the complement: CEBPA is on the minus strand). VCF-style: chr19-33301940-C-A. GRCh37 (hg19) VCF-style: chr19-33792846-C-A.
Other names: c.118G>T, p.Val40Leu (NM_001285829.2); c.580G>T, p.Val194Leu (NM_001287424.2); c.433G>T, p.Val145Leu (NM_001287435.2); short protein forms V194L, V159L, V145L, V40L.
Identifiers: ClinVar variation 1355782 (VCV001355782.8), dbSNP rs2145261853, ClinGen allele CA405274879.

ClinVar aggregate classification (germline): Uncertain significance (1 of 4 stars; one submission).

Conditions:
Acute myeloid leukemia (AML). Also called: Leukemia, acute myeloid, somatic; Leukemia, acute myelogenous, somatic; Acute myeloid leukemia, adult; AML adult; Acute non-lymphocytic leukemia; Acute granulocytic leukemia. Identifiers: Orphanet 519, MedGen C0023467, MeSH D015470, MONDO:0018874, OMIM 601626, HP:0004808. Disease mechanism: Constitutively activated FLT3.

Submission:

Labcorp Genetics (formerly Invitae), Labcorp
Classification: Uncertain significance for Acute myeloid leukemia. Last evaluated: 2025-07-02. Review status: criteria provided, single submitter. Criteria: Invitae Variant Classification Sherloc (09022015). Collection method: clinical testing. Allele origin: germline.
Comment: This sequence change replaces valine, which is neutral and non-polar, with leucine, which is neutral and non-polar, at codon 159 of the CEBPA protein (p.Val159Leu). This variant is not present in population databases (gnomAD no frequency). This variant has not been reported in the literature in individuals affected with CEBPA-related conditions. ClinVar contains an entry for this variant (Variation ID: 1355782). Invitae Evidence Modeling of protein sequence and biophysical properties (such as structural, functional, and spatial information, amino acid conservation, physicochemical variation, residue mobility, and thermodynamic stability) indicates that this missense variant is not expected to disrupt CEBPA protein function with a negative predictive value of 80%. In summary, the available evidence is currently insufficient to determine the role of this variant in disease. Therefore, it has been classified as a Variant of Uncertain Significance.